The following is an entry in ClinVar:

ClinVar aggregate classification (germline): Uncertain significance (1 of 4 stars; one submission).

Conditions:
Cerebral cavernous malformation (CCM). Also called: CAVERNOUS ANGIOMA, FAMILIAL; CAVERNOUS ANGIOMATOUS MALFORMATIONS; CEREBRAL CAPILLARY MALFORMATIONS; Cerebral cavernous hemangioma (type); Cavernous Hemangioma of Brain; Cerebral cavernous malformations. Identifiers: Orphanet 221061, MedGen C2919945, MONDO:0000820, OMIM 116860, HP:0033522.

Allele frequency attached by ClinVar (database versions not stated): gnomAD exomes below 0.00001; gnomAD 0.00001.
gnomAD v4.1: 2 of 1,612,096 alleles (0.00012%); highest among the groups gnomAD compares: East Asian, 0.0045%; no homozygotes.

Submission:

Labcorp Genetics (formerly Invitae), Labcorp
Classification: Uncertain significance for Cerebral cavernous malformation. Last evaluated: 2021-02-17. Review status: criteria provided, single submitter. Criteria: Invitae Variant Classification Sherloc (09022015). Collection method: clinical testing. Allele origin: germline.
Comment: This variant is not present in population databases (ExAC no frequency). This sequence change falls in intron 15 of the KRIT1 gene. It does not directly change the encoded amino acid sequence of the KRIT1 protein. It affects a nucleotide within the consensus splice site of the intron. This variant has not been reported in the literature in individuals with KRIT1-related conditions. Nucleotide substitutions within the consensus splice site are a relatively common cause of aberrant splicing (PMID: 17576681, 9536098). Algorithms developed to predict the effect of sequence changes on RNA splicing suggest that this variant is not likely to affect RNA splicing, but this prediction has not been confirmed by published transcriptional studies. In summary, the available evidence is currently insufficient to determine the role of this variant in disease. Therefore, it has been classified as a Variant of Uncertain Significance.

Literature cited by the submitters: PubMed 17576681; PubMed 9536098.

NM_194454.3(KRIT1):c.1563+6C>T

Gene: KRIT1 (KRIT1 ankyrin repeat containing; minus strand). Cytogenetic location: 7q21.2.
Variant type: single nucleotide variant.
Coding change: c.1563+6C>T on transcript NM_194454.3 (MANE Select); 6 bases into the intron after coding-DNA position 1563, C replaced by T.
Molecular consequence: intron variant.
Genome position (GRCh38, 1-based): chr7:92,221,896, G>A on the plus strand (C>T on the coding strand, the complement: KRIT1 is on the minus strand). VCF-style: chr7-92221896-G-A. GRCh37 (hg19) VCF-style: chr7-91851210-G-A.
Other names: c.1563+6C>T (NM_001350672.1, NM_001350676.1, NM_001350673.1 and 26 more transcripts); c.1419+6C>T (NM_001350669.1, NM_001013406.2, NM_001350670.1); c.849+6C>T (NM_001350671.1).
Identifiers: ClinVar variation 1486123 (VCV001486123.6), dbSNP rs1379958318, ClinGen allele CA576285293.